The following is an entry in ClinVar:

ClinVar aggregate classification (germline): Likely pathogenic (1 of 4 stars; one submission).

Conditions:
Dilated cardiomyopathy 1G (CMD1G). Identifiers: Orphanet 154, MedGen C1858763, MONDO:0011400, OMIM 604145.
Autosomal recessive limb-girdle muscular dystrophy type 2J (LGMDR10). Also called: Limb-girdle muscular dystrophy, type 2J; MUSCULAR DYSTROPHY, LIMB-GIRDLE, AUTOSOMAL RECESSIVE 10. Identifiers: Orphanet 140922, MedGen C1837342, MONDO:0012127, OMIM 608807.

Submission:

Labcorp Genetics (formerly Invitae), Labcorp
Classification: Likely pathogenic for Dilated cardiomyopathy 1G; Autosomal recessive limb-girdle muscular dystrophy type 2J. Last evaluated: 2023-12-11. Review status: criteria provided, single submitter. Criteria: Invitae Variant Classification Sherloc (09022015). Collection method: clinical testing. Allele origin: germline.
Comment: This sequence change creates a premature translational stop signal (p.Leu8976*) in the TTN gene. While this is not anticipated to result in nonsense mediated decay, it is expected to create a truncated TTN protein. This variant is not present in population databases (gnomAD no frequency). This variant has not been reported in the literature in individuals affected with TTN-related conditions. ClinVar contains an entry for this variant (Variation ID: 1355510). Algorithms developed to predict the effect of sequence changes on RNA splicing suggest that this variant may disrupt the consensus splice site. This variant is located in the I band of TTN (PMID: 25589632). Truncating variants in this region have been reported in individuals affected with autosomal recessive centronuclear myopathy (PMID: 23975875). Truncating variants in this region have also been identified in individuals affected with autosomal dominant dilated cardiomyopathy and/or cardio-related conditions (PMID: 27869827, 32964742). In summary, the currently available evidence indicates that the variant is pathogenic, but additional data are needed to prove that conclusively. Therefore, this variant has been classified as Likely Pathogenic.

Literature cited by the submitters: PubMed 25589632; PubMed 23975875; PubMed 27869827; PubMed 32964742.

NM_001267550.2(TTN):c.26926del (p.Thr8975_Leu8976insTer)

Gene: TTN (titin; minus strand). Cytogenetic location: 2q31.2.
Variant type: Deletion.
Coding change: c.26926del on transcript NM_001267550.2 (MANE Select); coding-DNA position 26926, one base deleted (C; older notation c.26926delC).
Protein change: p.Thr8975_Leu8976insTer.
Molecular consequence: nonsense. On other transcripts: intron variant (3).
Genome position (GRCh38, 1-based): chr2:178,713,208, G deleted on the plus strand (C on the coding strand, the reverse complement: TTN is on the minus strand); the first of 3 consecutive G bases (chr2:178,713,208-178,713,210); deleting any one gives the same sequence. VCF-style (leftmost placement, unchanged base first): chr2-178713207-AG-A. GRCh37 (hg19) VCF-style: chr2-179577934-AG-A.
Other names: c.25975del, p.Thr8658_Leu8659insTer (NM_001256850.1); c.23194del, p.Thr7731_Leu7732insTer (NM_133378.4); c.13282+24874del (NM_003319.4); c.13858+24874del (NM_133437.4); c.13657+24874del (NM_133432.3).
Identifiers: ClinVar variation 1355510 (VCV001355510.6), dbSNP rs2154296486, ClinGen allele CA2573133987.